The following is an entry in ClinVar:

NM_004928.3(CFAP410):c.643-183C>T

Gene: CFAP410 (cilia and flagella associated protein 410; minus strand). Cytogenetic location: 21q22.3.
Variant type: single nucleotide variant.
Coding change: c.643-183C>T on transcript NM_004928.3 (MANE Select); 183 bases into the intron before coding-DNA position 643, C replaced by T.
Molecular consequence: intron variant. On other transcripts: missense variant (1).
Genome position (GRCh38, 1-based): chr21:44,330,509, G>A on the plus strand (C>T on the coding strand, the complement: CFAP410 is on the minus strand). VCF-style: chr21-44330509-G-A. GRCh37 (hg19) VCF-style: chr21-45750392-G-A.
Other names: c.953C>T, p.Thr318Met (NM_001271441.2); c.640-183C>T (NM_001271440.2); c.517-183C>T (NM_001271442.1); short protein forms T318M.
Identifiers: ClinVar variation 4980793 (VCV004980793.1).

ClinVar aggregate classification (germline): Likely benign (1 of 4 stars; one submission).

Conditions:
CFAP410-related disorder. Also called: CFAP410-related condition.

gnomAD v4.1: 50 of 1,546,098 alleles (0.0032%); highest among the groups gnomAD compares: East Asian, 0.044%; no homozygotes.

Submission:

PreventionGenetics, part of Exact Sciences
Classification: Likely benign for CFAP410-related condition. Last evaluated: 2025-09-25. Review status: criteria provided, single submitter. Criteria: ACMG Guidelines, 2015. Collection method: clinical testing. Allele origin: germline.
Comment: This variant is classified as likely benign based on ACMG/AMP sequence variant interpretation guidelines (Richards et al. 2015 PMID: 25741868, with internal and published modifications).